The following is an entry in ClinVar:

ClinVar aggregate classification (germline): Uncertain significance. Review status: criteria provided, multiple submitters, no conflicts (2 of 4 stars). 2 submissions from 2 submitters: Uncertain significance (2). Last evaluated 2024-12-31.

Allele frequency attached by ClinVar (database versions not stated): TOPMed 0.00001; gnomAD 0.00005; ExAC 0.00007; 1000 Genomes Project 30x 0.00016; 1000 Genomes Project 0.00020.
gnomAD v4.1: 46 of 1,606,272 alleles (0.0029%); highest among the groups gnomAD compares: South Asian, 0.047%; no homozygotes.

Submissions (2):

Ambry Genetics
Classification: Uncertain significance. Last evaluated: 2024-12-31. Review status: criteria provided, single submitter. Criteria: Ambry Variant Classification Scheme 2023. Collection method: clinical testing. Allele origin: germline.

Labcorp Genetics (formerly Invitae), Labcorp
Classification: Uncertain significance. Last evaluated: 2023-06-05. Review status: criteria provided, single submitter. Criteria: Invitae Variant Classification Sherloc (09022015). Collection method: clinical testing. Allele origin: germline.
Comment: This sequence change replaces glutamic acid, which is acidic and polar, with aspartic acid, which is acidic and polar, at codon 418 of the GUF1 protein (p.Glu418Asp). Advanced modeling of protein sequence and biophysical properties (such as structural, functional, and spatial information, amino acid conservation, physicochemical variation, residue mobility, and thermodynamic stability) performed at Invitae indicates that this missense variant is not expected to disrupt GUF1 protein function. In summary, the available evidence is currently insufficient to determine the role of this variant in disease. Therefore, it has been classified as a Variant of Uncertain Significance. This variant has not been reported in the literature in individuals affected with GUF1-related conditions. This variant is present in population databases (rs533419716, gnomAD 0.04%).

NM_021927.3(GUF1):c.1254G>C (p.Glu418Asp)

Gene: GUF1 (GTP binding elongation factor GUF1; plus strand). Cytogenetic location: 4p12.
Variant type: single nucleotide variant.
Coding change: c.1254G>C on transcript NM_021927.3 (MANE Select); coding-DNA position 1254, G replaced by C.
Protein change: p.Glu418Asp; replaces glutamic acid 418 with aspartic acid.
Molecular consequence: missense variant.
Genome position (GRCh38, 1-based): chr4:44,689,894, G>C. VCF-style: chr4-44689894-G-C. GRCh37 (hg19) VCF-style: chr4-44691911-G-C.
Other names: c.282G>C, p.Glu94Asp (NM_001345867.2, NM_001345869.2); c.1254G>C, p.Glu418Asp (NM_001345868.2); c.1254G>C (NM_021927.2); short protein forms E94D, E418D.
Identifiers: ClinVar variation 2894707 (VCV002894707.4), dbSNP rs533419716, ClinGen allele CA2905590.